The following is an entry in ClinVar:

ClinVar aggregate classification (germline): Uncertain significance (1 of 4 stars; one submission).

Submission:

CeGaT Center for Human Genetics Tuebingen
Classification: Uncertain significance. Last evaluated: 2023-01-01. Review status: criteria provided, single submitter. Criteria: CeGaT Center For Human Genetics Tuebingen Variant Classification Criteria Version 2. Collection method: clinical testing. Allele origin: germline. Affected: yes. Observed: 1 variant allele.
Comment: DCTN1: PM2

NM_004082.5(DCTN1):c.955G>A (p.Glu319Lys)

Gene: DCTN1 (dynactin subunit 1; minus strand). Cytogenetic location: 2p13.1.
Variant type: single nucleotide variant.
Coding change: c.955G>A on transcript NM_004082.5 (MANE Select); coding-DNA position 955, G replaced by A.
Protein change: p.Glu319Lys; replaces glutamic acid 319 with lysine.
Molecular consequence: missense variant. On other transcripts: non-coding transcript variant (1).
Genome position (GRCh38, 1-based): chr2:74,370,714, C>T on the plus strand (G>A on the coding strand, the complement: DCTN1 is on the minus strand). VCF-style: chr2-74370714-C-T. GRCh37 (hg19) VCF-style: chr2-74597841-C-T.
Other names: c.895G>A, p.Glu299Lys (NM_001135040.3); c.553G>A, p.Glu185Lys (NM_001135041.3, NM_023019.4); c.844G>A, p.Glu282Lys (NM_001190836.2); c.934G>A, p.Glu312Lys (NM_001190837.2); c.904G>A, p.Glu302Lys (NM_001378991.1); c.886G>A, p.Glu296Lys (NM_001378992.1); short protein forms E302K, E312K, E319K, E185K, E282K, E296K, E299K.
Identifiers: ClinVar variation 2651073 (VCV002651073.24), dbSNP rs2529160183, ClinGen allele CA347364539.